The following is an entry in ClinVar:

ClinVar aggregate classification (germline): Pathogenic. Review status: reviewed by expert panel (3 of 4 stars). 7 submissions from 7 submitters: Pathogenic (1). 6 of the submissions do not count toward it. Last evaluated 2016-09-08.

Conditions:
Hereditary cancer-predisposing syndrome. Also called: Neoplastic Syndromes, Hereditary; Tumor predisposition; Hereditary neoplastic syndrome; Hereditary Cancer Syndrome. Identifiers: Orphanet 140162, MedGen C0027672, MeSH D009386, MONDO:0015356.
Hereditary breast ovarian cancer syndrome. Also called: Hereditary breast and ovarian cancer syndrome; Hereditary breast and ovarian cancer; Hereditary breast and ovarian cancer syndrome (HBOC); Breast and ovarian cancer; Hereditary breast and/or ovarian cancer syndrome; BRCA1- and BRCA2-Associated Hereditary Breast and Ovarian Cancer. Identifiers: Orphanet 145, MedGen C0677776, MeSH D061325, MONDO:0003582. Disease mechanism: loss of function.
Malignant tumor of urinary bladder. Also called: Urinary bladder cancer; Bladder cancer; Urinary Bladder Neoplasms. Identifiers: MedGen C0005684, MONDO:0001187, OMIM 109800.
Breast-ovarian cancer, familial, susceptibility to, 2 (BROVCA2). Also called: BRCA2 Hereditary Breast and Ovarian Cancer. Identifiers: Orphanet 145, MedGen C2675520, MONDO:0012933, OMIM 612555. Disease mechanism: loss of function.

Submissions (7):

Evidence-based Network for the Interpretation of Germline Mutant Alleles (ENIGMA)
Classification: Pathogenic for Breast-ovarian cancer, familial, susceptibility to, 2. Last evaluated: 2016-09-08. Review status: reviewed by expert panel. Criteria: ENIGMA BRCA1/2 Classification Criteria (2015). Collection method: curation. Allele origin: germline.
Comment: Variant allele predicted to encode a truncated non-functional protein.

GeneDx
Classification: Pathogenic. Last evaluated: 2025-05-30. Review status: criteria provided, single submitter. Criteria: GeneDx Variant Classification Process June 2021. Collection method: clinical testing. Allele origin: germline. Affected: yes. Not counted in ClinVar's aggregate classification.
Comment: Observed in individuals with breast cancer (PMID: 24010542, 28724667); Nonsense variant predicted to result in protein truncation or nonsense mediated decay in a gene for which loss of function is a known mechanism of disease; Truncating variants in this gene are considered pathogenic by a well-established clinical consortium and/or database; Not observed at significant frequency in large population cohorts (gnomAD); Also known as 6718C>T; This variant is associated with the following publications: (PMID: 30702160, 31825140, 29566657, 26803811, 31209999, 28724667, 29446198, 22762150, 35864222, 26300996, 32377563, 36143288, 24010542)

Labcorp Genetics (formerly Invitae), Labcorp
Classification: Pathogenic for Hereditary breast ovarian cancer syndrome. Last evaluated: 2025-03-09. Review status: criteria provided, single submitter. Criteria: Invitae Variant Classification Sherloc (09022015). Collection method: clinical testing. Allele origin: germline. Not counted in ClinVar's aggregate classification.
Comment: This sequence change creates a premature translational stop signal (p.Gln2164*) in the BRCA2 gene. It is expected to result in an absent or disrupted protein product. Loss-of-function variants in BRCA2 are known to be pathogenic (PMID: 20104584). This variant is not present in population databases (gnomAD no frequency). This premature translational stop signal has been observed in individual(s) with breast cancer (PMID: 22762150, 24010542, 28724667). ClinVar contains an entry for this variant (Variation ID: 52113). For these reasons, this variant has been classified as Pathogenic.

Ambry Genetics
Classification: Pathogenic for Hereditary cancer-predisposing syndrome. Last evaluated: 2024-04-12. Review status: criteria provided, single submitter. Criteria: Ambry Variant Classification Scheme 2023. Collection method: clinical testing. Allele origin: germline. Not counted in ClinVar's aggregate classification.
Comment: The p.Q2164* pathogenic mutation (also known as c.6490C>T), located in coding exon 10 of the BRCA2 gene, results from a C to T substitution at nucleotide position 6490. This changes the amino acid from a glutamine to a stop codon within coding exon 10. This mutation was identified in multiple cohorts of breast and/or ovarian cancer patients (Lecarpentier J et al. Breast Cancer Res. 2012;14(4):R99; Konstantopoulou I et al. Clin. Genet. 2014 Jan;85(1):36-42; Sun J et al. Clin. Cancer Res. 2017 Oct;23(20):6113-6119). This variant is considered to be rare based on population cohorts in the Genome Aggregation Database (gnomAD). In addition to the clinical data presented in the literature, this alteration is expected to result in loss of function by premature protein truncation or nonsense-mediated mRNA decay. As such, this alteration is interpreted as a disease-causing mutation.

Consortium of Investigators of Modifiers of BRCA1/2 (CIMBA), c/o University of Cambridge
Classification: Pathogenic for Breast-ovarian cancer, familial, susceptibility to, 2. Last evaluated: 2015-10-02. Review status: criteria provided, single submitter. Criteria: CIMBA Mutation Classification guidelines May 2016. Collection method: clinical testing. Allele origin: germline. Not counted in ClinVar's aggregate classification.

Counsyl
Classification: Pathogenic for Breast-ovarian cancer, familial, susceptibility to, 2. Last evaluated: 2017-05-26. Review status: no assertion criteria provided. Collection method: clinical testing. Allele origin: unknown. Not counted in ClinVar's aggregate classification.

Laboratory of Urology, Hospital Clinic de Barcelona
Classification: Pathogenic for Malignant tumor of urinary bladder. Review status: no assertion criteria provided. Collection method: research. Allele origin: somatic. Affected: yes. Not counted in ClinVar's aggregate classification.

Literature cited by the submitters: PubMed 20104584 (cited by Labcorp Genetics (formerly Invitae), Labcorp); PubMed 22762150 (cited by 3 submitters); PubMed 24010542 (cited by 3 submitters); PubMed 28724667 (cited by Labcorp Genetics (formerly Invitae), Labcorp).

NM_000059.4(BRCA2):c.6490C>T (p.Gln2164Ter)

Gene: BRCA2 (BRCA2 DNA repair associated; plus strand). Cytogenetic location: 13q13.1.
Variant type: single nucleotide variant.
Coding change: c.6490C>T on transcript NM_000059.4 (MANE Select); coding-DNA position 6490, C replaced by T.
Protein change: p.Gln2164Ter; replaces glutamine 2164 with a stop codon.
Molecular consequence: nonsense.
Genome position (GRCh38, 1-based): chr13:32,340,845, C>T. VCF-style: chr13-32340845-C-T. GRCh37 (hg19) VCF-style: chr13-32914982-C-T.
Other names: short protein forms Q2164*.
Identifiers: ClinVar variation 52113 (VCV000052113.21), dbSNP rs397507860, ClinGen allele CA024107.